The following is an entry in ClinVar:

NM_145207.3(AFG2A):c.2505+3A>G

Gene: AFG2A (AFG2 AAA ATPase homolog A; plus strand). Cytogenetic location: 4q28.1.
Variant type: single nucleotide variant.
Coding change: c.2505+3A>G on transcript NM_145207.3 (MANE Select); 3 bases into the intron after coding-DNA position 2505, A replaced by G.
Molecular consequence: intron variant.
Genome position (GRCh38, 1-based): chr4:123,256,183, A>G. VCF-style: chr4-123256183-A-G. GRCh37 (hg19) VCF-style: chr4-124177338-A-G.
Other names: c.2502+3A>G (NM_001345856.2).
Identifiers: ClinVar variation 2107910 (VCV002107910.1), dbSNP rs1266256869, ClinGen allele CA554527088.

ClinVar aggregate classification (germline): Uncertain significance (1 of 4 stars; one submission).

Conditions:
Microcephaly-intellectual disability-sensorineural hearing loss-epilepsy-abnormal muscle tone syndrome (NEDHSB). Also called: NEURODEVELOPMENTAL DISORDER WITH HEARING LOSS, SEIZURES, AND BRAIN ABNORMALITIES. Identifiers: Orphanet 457351, MedGen C4225276, MONDO:0014698, OMIM 616577.

Allele frequency attached by ClinVar (database versions not stated): gnomAD exomes below 0.00001; gnomAD 0.00001.
gnomAD v4.1: 3 of 1,613,506 alleles (0.00019%); highest among the groups gnomAD compares: Admixed American, 0.0017%; no homozygotes.

Submission:

Labcorp Genetics (formerly Invitae), Labcorp
Classification: Uncertain significance for Microcephaly-intellectual disability-sensorineural hearing loss-epilepsy-abnormal muscle tone syndrome. Last evaluated: 2022-03-09. Review status: criteria provided, single submitter. Criteria: Invitae Variant Classification Sherloc (09022015). Collection method: clinical testing. Allele origin: germline.
Comment: This sequence change falls in intron 15 of the SPATA5 gene. It does not directly change the encoded amino acid sequence of the SPATA5 protein. It affects a nucleotide within the consensus splice site. This variant is present in population databases (no rsID available, gnomAD 0.004%). This variant has not been reported in the literature in individuals affected with SPATA5-related conditions. Variants that disrupt the consensus splice site are a relatively common cause of aberrant splicing (PMID: 17576681, 9536098). Algorithms developed to predict the effect of sequence changes on RNA splicing suggest that this variant is not likely to affect RNA splicing. In summary, the available evidence is currently insufficient to determine the role of this variant in disease. Therefore, it has been classified as a Variant of Uncertain Significance.

Literature cited by the submitters: PubMed 17576681; PubMed 9536098.